The following is an entry in ClinVar:

ClinVar aggregate classification (germline): Uncertain significance (1 of 4 stars; one submission).

Allele frequency attached by ClinVar (database versions not stated): ExAC 0.00001; gnomAD 0.00001.
gnomAD v4.1: 24 of 1,613,258 alleles (0.0015%); highest among the groups gnomAD compares: Middle Eastern, 0.016%; no homozygotes.

Submission:

Labcorp Genetics (formerly Invitae), Labcorp
Classification: Uncertain significance. Last evaluated: 2024-04-16. Review status: criteria provided, single submitter. Criteria: Invitae Variant Classification Sherloc (09022015). Collection method: clinical testing. Allele origin: germline.
Comment: This sequence change replaces histidine, which is basic and polar, with tyrosine, which is neutral and polar, at codon 716 of the ZNF341 protein (p.His716Tyr). This variant is present in population databases (rs549813049, gnomAD 0.003%). This variant has not been reported in the literature in individuals affected with ZNF341-related conditions. ClinVar contains an entry for this variant (Variation ID: 1907037). An algorithm developed to predict the effect of missense changes on protein structure and function (PolyPhen-2) suggests that this variant is likely to be tolerated. In summary, the available evidence is currently insufficient to determine the role of this variant in disease. Therefore, it has been classified as a Variant of Uncertain Significance.

NM_001282933.2(ZNF341):c.2167C>T (p.His723Tyr)

Genes: ZNF341 (zinc finger protein 341; plus strand), ZNF341-AS1 (ZNF341 antisense RNA 1; minus strand). Cytogenetic location: 20q11.22.
Variant type: single nucleotide variant.
Coding change: c.2167C>T on transcript NM_001282933.2 (MANE Select); coding-DNA position 2167, C replaced by T.
Protein change: p.His723Tyr; replaces histidine 723 with tyrosine.
Molecular consequence: missense variant. On other transcripts: non-coding transcript variant (1).
Genome position (GRCh38, 1-based): chr20:33,791,119, C>T. VCF-style: chr20-33791119-C-T. GRCh37 (hg19) VCF-style: chr20-32378925-C-T.
Other names: c.1897C>T, p.His633Tyr (NM_001282935.2); c.2146C>T, p.His716Tyr (NM_032819.5); short protein forms H716Y, H633Y, H723Y.
Identifiers: ClinVar variation 1907037 (VCV001907037.5), dbSNP rs549813049, ClinGen allele CA9819726.